The following is an entry in ClinVar:

NM_000124.4(ERCC6):c.3729G>T (p.Lys1243Asn)

Gene: ERCC6 (ERCC excision repair 6, chromatin remodeling factor; minus strand). Cytogenetic location: 10q11.23.
Variant type: single nucleotide variant.
Coding change: c.3729G>T on transcript NM_000124.4 (MANE Select); coding-DNA position 3729, G replaced by T.
Protein change: p.Lys1243Asn; replaces lysine 1243 with asparagine.
Molecular consequence: missense variant.
Genome position (GRCh38, 1-based): chr10:49,470,231, C>A on the plus strand (G>T on the coding strand, the complement: ERCC6 is on the minus strand). VCF-style: chr10-49470231-C-A. GRCh37 (hg19) VCF-style: chr10-50678277-C-A.
Other names: c.3729G>T, p.Lys1243Asn (NM_001346440.2); short protein forms K1243N.
Identifiers: ClinVar variation 1963072 (VCV001963072.5), dbSNP rs775424153, ClinGen allele CA376712584.

ClinVar aggregate classification (germline): Uncertain significance (1 of 4 stars; one submission).

Submission:

Labcorp Genetics (formerly Invitae), Labcorp
Classification: Uncertain significance. Last evaluated: 2022-10-25. Review status: criteria provided, single submitter. Criteria: Invitae Variant Classification Sherloc (09022015). Collection method: clinical testing. Allele origin: germline.
Comment: In summary, the available evidence is currently insufficient to determine the role of this variant in disease. Therefore, it has been classified as a Variant of Uncertain Significance. Advanced modeling of protein sequence and biophysical properties (such as structural, functional, and spatial information, amino acid conservation, physicochemical variation, residue mobility, and thermodynamic stability) performed at Invitae indicates that this missense variant is not expected to disrupt ERCC6 protein function. This variant has not been reported in the literature in individuals affected with ERCC6-related conditions. This variant is not present in population databases (gnomAD no frequency). This sequence change replaces lysine, which is basic and polar, with asparagine, which is neutral and polar, at codon 1243 of the ERCC6 protein (p.Lys1243Asn).